The following is an entry in ClinVar:

ClinVar aggregate classification (germline): Uncertain significance (1 of 4 stars; one submission).

Allele frequency attached by ClinVar (database versions not stated): ExAC 0.00001.
gnomAD v4.1: 1 of 1,614,004 alleles (0.000062%); highest among the groups gnomAD compares: Non-Finnish European, 0.000085%; no homozygotes.

Submission:

Labcorp Genetics (formerly Invitae), Labcorp
Classification: Uncertain significance. Last evaluated: 2023-10-22. Review status: criteria provided, single submitter. Criteria: Invitae Variant Classification Sherloc (09022015). Collection method: clinical testing. Allele origin: germline.
Comment: This sequence change replaces arginine, which is basic and polar, with lysine, which is basic and polar, at codon 465 of the HMCN1 protein (p.Arg465Lys). This variant is present in population databases (rs780290240, gnomAD 0.0009%). This variant has not been reported in the literature in individuals affected with HMCN1-related conditions. An algorithm developed to predict the effect of missense changes on protein structure and function (PolyPhen-2) suggests that this variant is likely to be disruptive. In summary, the available evidence is currently insufficient to determine the role of this variant in disease. Therefore, it has been classified as a Variant of Uncertain Significance.

NM_031935.3(HMCN1):c.1394G>A (p.Arg465Lys)

Gene: HMCN1 (hemicentin 1; plus strand). Cytogenetic location: 1q31.1.
Variant type: single nucleotide variant.
Coding change: c.1394G>A on transcript NM_031935.3 (MANE Select); coding-DNA position 1394, G replaced by A.
Protein change: p.Arg465Lys; replaces arginine 465 with lysine.
Molecular consequence: missense variant.
Genome position (GRCh38, 1-based): chr1:185,925,155, G>A. VCF-style: chr1-185925155-G-A. GRCh37 (hg19) VCF-style: chr1-185894287-G-A.
Other names: short protein forms R465K.
Identifiers: ClinVar variation 2822627 (VCV002822627.3), dbSNP rs780290240, ClinGen allele CA1291091.